The following is an entry in ClinVar:

ClinVar aggregate classification (germline): Likely pathogenic. Review status: criteria provided, multiple submitters, no conflicts (2 of 4 stars). 2 submissions from 2 submitters: Likely pathogenic (2). Last evaluated 2024-01-18.

Conditions:
Hereditary cancer-predisposing syndrome. Also called: Hereditary Cancer Syndrome; Neoplastic Syndromes, Hereditary; Hereditary neoplastic syndrome; Tumor predisposition. Identifiers: Orphanet 140162, MedGen C0027672, MeSH D009386, MONDO:0015356.
Familial cancer of breast. Also called: Hereditary breast cancer; hereditary breast carcinoma; BREAST CANCER, FAMILIAL. Identifiers: Orphanet 227535, MedGen C0346153, MONDO:0016419, OMIM 114480. Disease mechanism: loss of function.

Submissions (2):

Myriad Genetics, Inc.
Classification: Likely pathogenic for Familial cancer of breast. Last evaluated: 2024-01-18. Review status: criteria provided, single submitter. Criteria: Myriad Autosomal Dominant, Autosomal Recessive and X-Linked Classification Criteria (2023). Collection method: clinical testing. Allele origin: unknown.
Comment: This variant is considered likely pathogenic. This variant occurs within a consensus splice junction and is predicted to result in abnormal mRNA splicing of either an out-of-frame exon or an in-frame exon necessary for protein stability and/or normal function.

Ambry Genetics
Classification: Likely pathogenic for Hereditary cancer-predisposing syndrome. Last evaluated: 2015-10-01. Review status: criteria provided, single submitter. Criteria: Ambry Variant Classification Scheme 2023. Collection method: clinical testing. Allele origin: germline.
Comment: The c.2638+1delG intronic variant results from the deletion of one nucleotide (G) at position c.2638+1, which is located one nucleotide after coding exon 16 of the ATM gene. This variant was not reported in population based cohorts in the following databases: Database of Single Nucleotide Polymorphisms (dbSNP), NHLBI Exome Sequencing Project (ESP), and 1000 Genomes Project. In the ESP, this variant was not observed in 6499 samples (12998 alleles) with coverage at this position. To date, this alteration has been detected with an allele frequency of approximately 0.002% (greater than 66,000 alleles tested) in our clinical cohort. The BDGP splice site prediction tool predicts this alteration will shift the splice donor site one nucleotide upstream from the native site; however, direct experimental evidence is unavailable. Alterations that disrupt the canonical splice donor site are typically deleterious in nature (ACMG Recommendations for Standards for Interpretation and Reporting of Sequence Variations. Revision 2007. Genet Med. 2008;10:294). As such, the c.2638+1delG variant is classified as likely pathogenic.

NM_000051.4(ATM):c.2638+1del

Gene: ATM (ATM serine/threonine kinase; plus strand). Cytogenetic location: 11q22.3.
Variant type: Deletion.
Coding change: c.2638+1del on transcript NM_000051.4 (MANE Select); the canonical splice donor site of the intron after coding-DNA position 2638, one base deleted (G; older notation c.2638+1delG).
Molecular consequence: splice donor variant.
Genome position (GRCh38, 1-based): chr11:108,267,343, G deleted; the last of 2 consecutive G bases (chr11:108,267,342-108,267,343); deleting either gives the same sequence. VCF-style (leftmost placement, unchanged base first): chr11-108267341-AG-A. GRCh37 (hg19) VCF-style: chr11-108138068-AG-A.
Other names: c.2638+1delG (NM_000051.3); c.2638+1del (NM_001351834.2).
Identifiers: ClinVar variation 429068 (VCV000429068.5), dbSNP rs1131691153, ClinGen allele CA645369499.